The following is an entry in ClinVar:

ClinVar aggregate classification (germline): Likely pathogenic (1 of 4 stars; one submission).

Submission:

GeneDx
Classification: Likely pathogenic. Last evaluated: 2025-03-22. Review status: criteria provided, single submitter. Criteria: GeneDx Variant Classification Process June 2021. Collection method: clinical testing. Allele origin: germline. Affected: yes.
Comment: Not observed at significant frequency in large population cohorts (gnomAD); In silico analysis supports that this missense variant has a deleterious effect on protein structure/function; Has not been previously published as pathogenic or benign to our knowledge

NM_153252.5(BRWD3):c.3605G>T (p.Arg1202Ile)

Gene: BRWD3 (bromodomain and WD repeat domain containing 3; minus strand). Cytogenetic location: Xq21.1.
Variant type: single nucleotide variant.
Coding change: c.3605G>T on transcript NM_153252.5 (MANE Select); coding-DNA position 3605, G replaced by T.
Protein change: p.Arg1202Ile; replaces arginine 1202 with isoleucine.
Molecular consequence: missense variant.
Genome position (GRCh38, 1-based): chrX:80,690,090, C>A on the plus strand (G>T on the coding strand, the complement: BRWD3 is on the minus strand). VCF-style: chrX-80690090-C-A. GRCh37 (hg19) VCF-style: chrX-79945589-C-A.
Other names: short protein forms R1202I.
Identifiers: ClinVar variation 1806500 (VCV001806500.2), dbSNP rs2520232100, ClinGen allele CA413616496.